The following is an entry in ClinVar:

ClinVar aggregate classification (germline): Uncertain significance (1 of 4 stars; one submission).

gnomAD v4.1: 1 of 1,613,838 alleles (0.000062%); highest among the groups gnomAD compares: Non-Finnish European, 0.000085%; no homozygotes.

Submission:

Greenwood Genetic Center Diagnostic Laboratories, Greenwood Genetic Center
Classification: Uncertain significance. Last evaluated: 2024-07-26. Review status: criteria provided, single submitter. Criteria: ACMG Guidelines, 2015. Collection method: clinical testing. Allele origin: germline. Affected: yes.
Comment: PM2

NM_001020658.2(PUM1):c.614A>G (p.Asn205Ser)

Gene: PUM1 (pumilio RNA binding family member 1; minus strand). Cytogenetic location: 1p35.2.
Variant type: single nucleotide variant.
Coding change: c.614A>G on transcript NM_001020658.2 (MANE Select); coding-DNA position 614, A replaced by G.
Protein change: p.Asn205Ser; replaces asparagine 205 with serine.
Molecular consequence: missense variant.
Genome position (GRCh38, 1-based): chr1:31,005,959, T>C on the plus strand (A>G on the coding strand, the complement: PUM1 is on the minus strand). VCF-style: chr1-31005959-T-C. GRCh37 (hg19) VCF-style: chr1-31478806-T-C.
Other names: c.614A>G, p.Asn205Ser (NM_014676.3); short protein forms N205S.
Identifiers: ClinVar variation 3765872 (VCV003765872.1).
Genomic context (GRCh38, chr1:31,005,959, plus strand): 5'-ACATACTCCACCATGCTAACGCCTAGTCCCCCACTCTCCGATCGTGGGGACAGTACAGAA[T>C]TGACCTCACTGTTCACATGGAAACTCTGACCAGGTCTTCTCTGCACCATGATTGGCTGGG-3'
Protein context (NP_001018494.1, residues 195-215): GQSFHVNSEV[Asn205Ser]SVLSPRSESG